The following is an entry in ClinVar:

NC_012920.1(MT-ND1):m.3902_3908inv

Gene: MT-ND1 (mitochondrially encoded NADH dehydrogenase 1; plus strand).
Variant type: Inversion.
Genome position: chrM-3902-ACCTTGC-GCAAGGT.
Other names: m.3902_3908invACCTTGC.
Identifiers: ClinVar variation 9731 (VCV000009731.2), ClinGen allele CA082749.

ClinVar aggregate classification (germline): Likely pathogenic. Review status: reviewed by expert panel (3 of 4 stars). 2 submissions from 2 submitters: Likely pathogenic (1). 1 of the submissions does not count toward it. Last evaluated 2022-06-30.

Conditions:
MITOCHONDRIAL COMPLEX I DEFICIENCY, MITOCHONDRIAL TYPE 3.
Mitochondrial disease. Also called: Mitochondrial disorder; Mitochondrial disorders. Identifiers: Orphanet 68380, MedGen C0751651, MeSH D028361, MONDO:0044970.

Submissions (2):

ClinGen Mitochondrial Disease Nuclear and Mitochondrial  Variant Curation Expert Panel, ClinGen
Classification: Likely pathogenic for Mitochondrial disease. Last evaluated: 2022-06-30. Review status: reviewed by expert panel. Criteria: clingen mito disease acmg specifications v1-1. Collection method: curation. Allele origin: germline. Inheritance: Mitochondrial inheritance.
Comment: The m.3902_3908inv (p.DLA199GKV) variant in MT-ND1 has been reported in four unrelated individuals in the literature with primary mitochondrial disease with a range of clinical features including myopathy, exercise intolerance, Leigh syndrome, cardiomyopathy, failure to thrive, lactic acidosis, nephropathy, sensorineural hearing loss, and diabetes mellitus (PS4_moderate; PMIDs: 10775530, 16492986, 27290639, 34135385). Additionally, this expert panel knew of one local family with an affected individual with this variant that the expert panel agreed to include. There are no large families reported in the medical literature to consider for evidence of segregation. This variant is absent in the GenBank dataset, Helix dataset, and gnomAD v3.1.2 (PM2_supporting). E. coli models demonstrated two different functional defects, reduced complex activity and reduced proton translocation (PS3_moderate; PMIDs; 34135385, 35234296). There are no in silico predictors for this type of variant in mitochondrial DNA. In summary, this variant meets criteria to be classified as likely pathogenic for primary mitochondrial disease inherited in a mitochondrial manner. This classification was approved by the NICHD/NINDS U24 Mitochondrial Disease Variant Curation Expert Panel on May 9, 2022. Mitochondrial DNA-specific ACMG/AMP criteria applied (PMID: 32906214): PS4_moderate, PM6_strong, PM2_supporting, PS3_moderate.

OMIM
Classification: Pathogenic for MITOCHONDRIAL COMPLEX I DEFICIENCY, MITOCHONDRIAL TYPE 3. Last evaluated: 2006-03-01. Review status: no assertion criteria provided. Collection method: literature only. Allele origin: germline. Not counted in ClinVar's aggregate classification.

Literature cited by the submitters: PubMed 10775530 (cited by OMIM); PubMed 2125637 (cited by OMIM); PubMed 16492986 (cited by OMIM).